The following is an entry in ClinVar:

ClinVar aggregate classification (germline): Uncertain significance (1 of 4 stars; one submission).

Submission:

ISCA site 15
Classification: Uncertain significance. Last evaluated: 2011-08-12. Review status: criteria provided, single submitter. Criteria: Kaminsky et al. (Genet Med. 2011). Collection method: clinical testing. Allele origin: unknown. Affected: yes. Observed: 1 variant allele.
Comment: Copy number variation identified through the course of routine clinical cytogenomic testing in postnatal populations. Clinical assertions have been curated as described in Kaminsky et al. 2011.

GRCh38/hg38 11q24.1(chr11:122596622-122776303)x3

Genes: UBASH3B (ubiquitin associated and SH3 domain containing B; plus strand), LOC124625856 (Sharpr-MPRA regulatory region 14714; plus strand), LOC130006962 (ATAC-STARR-seq lymphoblastoid silent region 4009; plus strand), LOC130006963 (ATAC-STARR-seq lymphoblastoid active region 5667; plus strand), LOC130006964 (ATAC-STARR-seq lymphoblastoid active region 5668; plus strand) and 1 more. Cytogenetic location: 11q24.1.
Variant type: copy number gain.
Change: copy number 3 (three copies instead of two) of chr11:122,596,622-122,776,303 (179.7 kb, GRCh38 coordinates, 1-based), cytogenetic band 11q24.1.
Identifiers: ClinVar variation 58189 (VCV000058189.1).